The following is an entry in ClinVar:

ClinVar aggregate classification (germline): Uncertain significance (1 of 4 stars; one submission).

Conditions:
Dilated cardiomyopathy 1G (CMD1G). Identifiers: Orphanet 154, MedGen C1858763, MONDO:0011400, OMIM 604145.
Autosomal recessive limb-girdle muscular dystrophy type 2J (LGMDR10). Also called: Limb-girdle muscular dystrophy, type 2J; MUSCULAR DYSTROPHY, LIMB-GIRDLE, AUTOSOMAL RECESSIVE 10. Identifiers: Orphanet 140922, MedGen C1837342, MONDO:0012127, OMIM 608807.

Submission:

Labcorp Genetics (formerly Invitae), Labcorp
Classification: Uncertain significance for Dilated cardiomyopathy 1G; Autosomal recessive limb-girdle muscular dystrophy type 2J. Last evaluated: 2023-10-13. Review status: criteria provided, single submitter. Criteria: Invitae Variant Classification Sherloc (09022015). Collection method: clinical testing. Allele origin: germline.
Comment: This sequence change replaces aspartic acid, which is acidic and polar, with histidine, which is basic and polar, at codon 34627 of the TTN protein (p.Asp34627His). This variant is not present in population databases (gnomAD no frequency). This variant has not been reported in the literature in individuals affected with TTN-related conditions. ClinVar contains an entry for this variant (Variation ID: 2080431). Experimental studies and prediction algorithms are not available or were not evaluated, and the functional significance of this variant is currently unknown. This variant is located in the M band of TTN (PMID: 25589632). Variants in this region may be relevant for neuromuscular disorders, but have not been definitively shown to cause cardiomyopathy (PMID: 23975875). In summary, the available evidence is currently insufficient to determine the role of this variant in disease. Therefore, it has been classified as a Variant of Uncertain Significance.

Literature cited by the submitters: PubMed 25589632; PubMed 23975875.

NM_001267550.2(TTN):c.103879G>C (p.Asp34627His)

Genes: TTN-AS1 (TTN antisense RNA 1; plus strand), TTN (titin; minus strand). Cytogenetic location: 2q31.2.
Variant type: single nucleotide variant.
Coding change: c.103879G>C on transcript NM_001267550.2 (MANE Select); coding-DNA position 103879, G replaced by C.
Protein change: p.Asp34627His; replaces aspartic acid 34627 with histidine.
Molecular consequence: missense variant.
Genome position (GRCh38, 1-based): chr2:178,532,736, C>G on the plus strand (G>C on the coding strand, the complement: TTN is on the minus strand). VCF-style: chr2-178532736-C-G. GRCh37 (hg19) VCF-style: chr2-179397463-C-G.
Other names: c.98956G>C, p.Asp32986His (NM_001256850.1); c.76684G>C, p.Asp25562His (NM_003319.4); c.96175G>C, p.Asp32059His (NM_133378.4); c.77059G>C, p.Asp25687His (NM_133432.3); c.77260G>C, p.Asp25754His (NM_133437.4); short protein forms D32059H, D32986H, D25562H, D25687H, D25754H, D34627H.
Identifiers: ClinVar variation 2080431 (VCV002080431.2), dbSNP rs2468463297, ClinGen allele CA349413019.